The following is an entry in ClinVar:

ClinVar aggregate classification (germline): Uncertain significance. Review status: criteria provided, multiple submitters, no conflicts (2 of 4 stars). 2 submissions from 2 submitters: Uncertain significance (2). Last evaluated 2022-03-10.

Conditions:
DICER1-related tumor predisposition. Also called: DICER1-related pleuropulmonary blastoma cancer predisposition syndrome; DICER1 syndrome. Identifiers: Orphanet 284343, MedGen C3839822, MONDO:0100216.

Submissions (2):

Labcorp Genetics (formerly Invitae), Labcorp
Classification: Uncertain significance for DICER1-related tumor predisposition. Last evaluated: 2022-03-10. Review status: criteria provided, single submitter. Criteria: Invitae Variant Classification Sherloc (09022015). Collection method: clinical testing. Allele origin: germline.
Comment: This sequence change replaces lysine, which is basic and polar, with asparagine, which is neutral and polar, at codon 222 of the DICER1 protein (p.Lys222Asn). This variant is not present in population databases (gnomAD no frequency). In summary, the available evidence is currently insufficient to determine the role of this variant in disease. Therefore, it has been classified as a Variant of Uncertain Significance. Algorithms developed to predict the effect of missense changes on protein structure and function (SIFT, PolyPhen-2, Align-GVGD) all suggest that this variant is likely to be tolerated. ClinVar contains an entry for this variant (Variation ID: 932998). This variant has not been reported in the literature in individuals affected with DICER1-related conditions.

Foulkes Cancer Genetics LDI, Lady Davis Institute for Medical Research
Classification: Uncertain significance. Last evaluated: 2019-07-01. Review status: criteria provided, single submitter. Criteria: ACMG Guidelines, 2015. Collection method: curation. Allele origin: somatic. Affected: yes. Observed: 1 variant allele.
Comment: ACMG criteria met: PM1, PM2, BP1

Literature cited by the submitters: PubMed 26841698 (cited by Foulkes Cancer Genetics LDI, Lady Davis Institute for Medical Research).

NM_177438.3(DICER1):c.666G>T (p.Lys222Asn)

Gene: DICER1 (dicer 1, ribonuclease III; minus strand). Cytogenetic location: 14q32.13.
Variant type: single nucleotide variant.
Coding change: c.666G>T on transcript NM_177438.3 (MANE Select); coding-DNA position 666, G replaced by T.
Protein change: p.Lys222Asn; replaces lysine 222 with asparagine.
Molecular consequence: missense variant.
Genome position (GRCh38, 1-based): chr14:95,129,540, C>A on the plus strand (G>T on the coding strand, the complement: DICER1 is on the minus strand). VCF-style: chr14-95129540-C-A. GRCh37 (hg19) VCF-style: chr14-95595877-C-A.
Other names: c.666G>T, p.Lys222Asn (NM_001195573.1, NM_001271282.3, NM_001291628.2 and 1 more transcripts); short protein forms K222N.
Identifiers: ClinVar variation 932998 (VCV000932998.12), dbSNP rs1595456916, ClinGen allele CA390888107.